The following is an entry in ClinVar:

NM_000166.6(GJB1):c.772del (p.Ser258fs)

Gene: GJB1 (gap junction protein beta 1; plus strand). Cytogenetic location: Xq13.1.
Variant type: Deletion.
Coding change: c.772del on transcript NM_000166.6 (MANE Select); coding-DNA position 772, one base deleted (T; older notation c.772delT).
Protein change: p.Ser258fs; shifts the reading frame from serine 258.
Molecular consequence: frameshift variant.
Genome position (GRCh38, 1-based): chrX:71,224,479, T deleted. VCF-style (leftmost placement, unchanged base first): chrX-71224478-CT-C. GRCh37 (hg19) VCF-style: chrX-70444328-CT-C.
Other names: c.772del, p.Ser258fs (NM_001097642.3); c.772del (NM_000166.5); short protein forms S258fs.
Identifiers: ClinVar variation 637164 (VCV000637164.11), dbSNP rs1602349940, ClinGen allele CA915951222.
Genomic context (GRCh38, chrX:71,224,478, plus strand): 5'-CCGCCTCTCACCTGAATACAAGCAGAATGAGATCAACAAGCTGCTGAGTGAGCAGGATGG[CT>C]CCCTGAAAGACATACTGCGCCGCAGCCCTGGCACCGGGGCTGGGCTGGCTGAAAAGAGCG-3'

ClinVar aggregate classification (germline): Likely pathogenic. Review status: criteria provided, single submitter (1 of 4 stars). 3 submissions from 3 submitters: Likely pathogenic (1). 2 of the submissions do not count toward it. Last evaluated 2019-05-08.

Conditions:
Charcot-Marie-Tooth Neuropathy X. Identifiers: MedGen CN118851.
Charcot-Marie-Tooth disease. Also called: Charcot-Marie-Tooth Hereditary Neuropathy; Charcot-Marie-Tooth Neuropathy. Identifiers: Orphanet 166, MedGen C0007959, MONDO:0015626.
Charcot-Marie-Tooth disease X-linked dominant 1. Also called: Charcot-Marie-Tooth Neuropathy X Type 1; X-linked Charcot-Marie-Tooth disease type 1; GJB1 Disorders: Charcot-Marie-Tooth Neuropathy (CMT1X) and Central Nervous System Phenotypes; CHARCOT-MARIE-TOOTH NEUROPATHY, X-LINKED, 1; CHARCOT-MARIE-TOOTH PERONEAL MUSCULAR ATROPHY, X-LINKED; HEREDITARY MOTOR AND SENSORY NEUROPATHY, X-LINKED. Identifiers: Orphanet 101075, MedGen C0393808, MONDO:0010549, OMIM 302800.

Submissions (3):

Labcorp Genetics (formerly Invitae), Labcorp
Classification: Likely pathogenic for Charcot-Marie-Tooth Neuropathy X. Last evaluated: 2019-05-08. Review status: criteria provided, single submitter. Criteria: Invitae Variant Classification Sherloc (09022015). Collection method: clinical testing. Allele origin: germline.
Comment: This variant has been observed in an individual affected with Charcot-Marie-Tooth disease (PMID: 25614874). In summary, the currently available evidence indicates that the variant is pathogenic, but additional data are needed to prove that conclusively. Therefore, this variant has been classified as Likely Pathogenic. This variant disrupts the C-terminus of the GJB1 protein. Other variant(s) that disrupt this region (p.Asp278_Cys280del, p.Ser281*, p.Cys283*) have been observed in individuals with GJB1-related conditions (PMID: 8990008, 23011429, 28768847). This suggests that this may be a clinically significant region of the protein. This variant is not present in population databases (ExAC no frequency). This sequence change results in a premature translational stop signal in the GJB1 gene (p.Ser258Profs*2). While this is not anticipated to result in nonsense mediated decay, it is expected to disrupt the last 26 amino acids of the GJB1 protein.

Inherited Neuropathy Consortium Ii, University Of Miami
Classification: Uncertain significance for Charcot-Marie-Tooth disease X-linked dominant 1. Last evaluated: 2016-01-06. Review status: no assertion criteria provided. Collection method: literature only. Allele origin: germline. Affected: yes. Not counted in ClinVar's aggregate classification.

Inherited Neuropathy Consortium
Classification: Pathogenic for Charcot-Marie-Tooth disease. Review status: no assertion criteria provided. Collection method: literature only. Allele origin: germline. Affected: yes. Not counted in ClinVar's aggregate classification.

Literature cited by the submitters: PubMed 25614874 (cited by 3 submitters); PubMed 8990008 (cited by Labcorp Genetics (formerly Invitae), Labcorp); PubMed 23011429 (cited by Labcorp Genetics (formerly Invitae), Labcorp); PubMed 28768847 (cited by Labcorp Genetics (formerly Invitae), Labcorp).